The following is an entry in ClinVar:

ClinVar aggregate classification (germline): Benign. Review status: criteria provided, multiple submitters, no conflicts (2 of 4 stars). 4 submissions from 4 submitters: Benign (3). 1 of the submissions does not count toward it. Last evaluated 2026-01-20.

Conditions:
CARMIL2-related disorder. Also called: CARMIL2-related condition.

Allele frequency attached by ClinVar (database versions not stated): gnomAD 0.00063 and 0.00100; gnomAD exomes 0.00075 and 0.00219; TOPMed 0.00120; ExAC 0.00238; 1000 Genomes Project 30x 0.00484; 1000 Genomes Project 0.00519.
gnomAD v4.1: 1,243 of 1,609,646 alleles (0.077%); highest among the groups gnomAD compares: East Asian, 2.6%; 17 homozygotes.

Submissions (4):

Labcorp Genetics (formerly Invitae), Labcorp
Classification: Benign. Last evaluated: 2026-01-20. Review status: criteria provided, single submitter. Criteria: Invitae Variant Classification Sherloc (09022015). Collection method: clinical testing. Allele origin: germline.

Mayo Clinic Laboratories, Mayo Clinic
Classification: Benign. Last evaluated: 2025-02-26. Review status: criteria provided, single submitter. Criteria: ACMG Guidelines, 2015. Collection method: clinical testing. Allele origin: germline. Observed: 1 variant allele.
Comment: BS1, BS2, BP4_moderate

Breakthrough Genomics
Classification: Benign. Review status: criteria provided, single submitter. Criteria: ACMG Guidelines, 2015. Collection method: not provided. Allele origin: germline. Inheritance: Autosomal recessive inheritance. Affected: yes.

PreventionGenetics, part of Exact Sciences
Classification: Benign for CARMIL2-related condition. Last evaluated: 2023-12-23. Review status: no assertion criteria provided. Collection method: clinical testing. Allele origin: germline. Not counted in ClinVar's aggregate classification.
Comment: This variant is classified as benign based on ACMG/AMP sequence variant interpretation guidelines (Richards et al. 2015 PMID: 25741868, with internal and published modifications).

NM_001013838.3(CARMIL2):c.2534G>A (p.Gly845Asp)

Gene: CARMIL2 (capping protein regulator and myosin 1 linker 2; plus strand). Cytogenetic location: 16q22.1.
Variant type: single nucleotide variant.
Coding change: c.2534G>A on transcript NM_001013838.3 (MANE Select); coding-DNA position 2534, G replaced by A.
Protein change: p.Gly845Asp; replaces glycine 845 with aspartic acid.
Molecular consequence: missense variant.
Genome position (GRCh38, 1-based): chr16:67,651,791, G>A. VCF-style: chr16-67651791-G-A. GRCh37 (hg19) VCF-style: chr16-67685694-G-A.
Other names: p.Gly845Asp; c.2534G>A (NM_001013838.1); c.2426G>A, p.Gly809Asp (NM_001317026.3); short protein forms G809D, G845D.
Identifiers: ClinVar variation 1600757 (VCV001600757.12), dbSNP rs80346348, ClinGen allele CA8113807.